The following is an entry in ClinVar:

ClinVar aggregate classification (germline): Likely benign (1 of 4 stars; one submission).

Conditions:
KIDINS220-related disorder. Also called: KIDINS220-related condition.

Submission:

PreventionGenetics, part of Exact Sciences
Classification: Likely benign for KIDINS220-related condition. Last evaluated: 2025-04-24. Review status: criteria provided, single submitter. Criteria: ACMG Guidelines, 2015. Collection method: clinical testing. Allele origin: germline.
Comment: This variant is classified as likely benign based on ACMG/AMP sequence variant interpretation guidelines (Richards et al. 2015 PMID: 25741868, with internal and published modifications).

NM_020738.4(KIDINS220):c.3729T>C (p.Asn1243=)

Gene: KIDINS220 (kinase D interacting substrate 220; minus strand). Cytogenetic location: 2p25.1.
Variant type: single nucleotide variant.
Coding change: c.3729T>C on transcript NM_020738.4 (MANE Select); coding-DNA position 3729, T replaced by C.
Protein change: p.Asn1243=; no amino-acid change (asparagine 1243 retained).
Molecular consequence: synonymous variant. On other transcripts: non-coding transcript variant (2).
Genome position (GRCh38, 1-based): chr2:8,734,742, A>G on the plus strand (T>C on the coding strand, the complement: KIDINS220 is on the minus strand). VCF-style: chr2-8734742-A-G. GRCh37 (hg19) VCF-style: chr2-8874872-A-G.
Other names: c.3732T>C, p.Asn1244= (NM_001348729.2); c.3675T>C, p.Asn1225= (NM_001348731.2); c.3672T>C, p.Asn1224= (NM_001348732.2, NM_001348738.2); c.3561T>C, p.Asn1187= (NM_001348734.2, NM_001348739.2, NM_001348740.2); c.3558T>C, p.Asn1186= (NM_001348735.2, NM_001348741.2, NM_001348742.2 and 1 more transcripts); c.3432T>C, p.Asn1144= (NM_001348736.2).
Identifiers: ClinVar variation 4999528 (VCV004999528.1).